The following is an entry in ClinVar:

NM_024422.6(DSC2):c.1514G>A (p.Gly505Asp)

Gene: DSC2 (desmocollin 2; minus strand). Cytogenetic location: 18q12.1.
Variant type: single nucleotide variant.
Coding change: c.1514G>A on transcript NM_024422.6 (MANE Select); coding-DNA position 1514, G replaced by A.
Protein change: p.Gly505Asp; replaces glycine 505 with aspartic acid.
Molecular consequence: missense variant.
Genome position (GRCh38, 1-based): chr18:31,080,102, C>T on the plus strand (G>A on the coding strand, the complement: DSC2 is on the minus strand). VCF-style: chr18-31080102-C-T. GRCh37 (hg19) VCF-style: chr18-28660068-C-T.
Other names: c.1514G>A, p.Gly505Asp (NM_004949.5); short protein forms G505D.
Identifiers: ClinVar variation 924420 (VCV000924420.12), dbSNP rs1987160435, ClinGen allele CA402108330.
Genomic context (GRCh38, chr18:31,080,102, plus strand): 5'-ATAACGTAACAAAATAAGCTATATATTTTAAAACTAAAATAGAATGGTAAGTACCTTATG[C>T]CACTGCTACTTCTTGTTTCTGGGTCATATGCTTTATATCCATTGCTTGTTGTTCCCACTT-3'
Protein context (NP_077740.1, residues 495-515): AYDPETRSSS[Gly505Asp]IRYKKLTDPT

ClinVar aggregate classification (germline): Uncertain significance. Review status: criteria provided, multiple submitters, no conflicts (2 of 4 stars). 2 submissions from 2 submitters: Uncertain significance (2). Last evaluated 2022-05-11.

Conditions:
Cardiomyopathy (CMYO). Also called: Cardiomyopathies. Identifiers: Orphanet 167848, MedGen C0878544, MONDO:0004994, HP:0001638. Inheritance: Various modes of inheritance.
Arrhythmogenic right ventricular dysplasia 11. Also called: ARRHYTHMOGENIC RIGHT VENTRICULAR DYSPLASIA, FAMILIAL, 11; Arrhythmogenic Right Ventricular Dysplasia/Cardiomyopathy11; Arrhythmogenic right ventricular dysplasia 11 with mild palmoplantar keratoderma and woolly hair. Identifiers: MedGen C1864850, MONDO:0012506, OMIM 610476.

Submissions (2):

Color Diagnostics, LLC DBA Color Health
Classification: Uncertain significance for Cardiomyopathy. Last evaluated: 2022-05-11. Review status: criteria provided, single submitter. Criteria: ACMG Guidelines, 2015. Collection method: clinical testing. Allele origin: germline.
Comment: This missense variant replaces glycine with aspartic acid at codon 505 of the DSC2 protein. Computational prediction suggests that this variant may not impact protein structure and function (internally defined REVEL score threshold <= 0.5, PMID: 27666373). To our knowledge, functional studies have not been reported for this variant. This variant has not been reported in individuals affected with cardiovascular disorders in the literature. This variant has not been identified in the general population by the Genome Aggregation Database (gnomAD). The available evidence is insufficient to determine the role of this variant in disease conclusively. Therefore, this variant is classified as a Variant of Uncertain Significance.

Labcorp Genetics (formerly Invitae), Labcorp
Classification: Uncertain significance for Arrhythmogenic right ventricular dysplasia 11. Last evaluated: 2021-06-12. Review status: criteria provided, single submitter. Criteria: Invitae Variant Classification Sherloc (09022015). Collection method: clinical testing. Allele origin: germline.
Comment: This sequence change replaces glycine with aspartic acid at codon 505 of the DSC2 protein (p.Gly505Asp). The glycine residue is highly conserved and there is a moderate physicochemical difference between glycine and aspartic acid. This variant is not present in population databases (ExAC no frequency). This variant has not been reported in the literature in individuals with DSC2-related conditions. ClinVar contains an entry for this variant (Variation ID: 924420). Algorithms developed to predict the effect of missense changes on protein structure and function output the following: SIFT: "Deleterious"; PolyPhen-2: "Possibly Damaging"; Align-GVGD: "Class C65". The aspartic acid amino acid residue is found in multiple mammalian species, suggesting that this missense change does not adversely affect protein function. These predictions have not been confirmed by published functional studies and their clinical significance is uncertain. In summary, the available evidence is currently insufficient to determine the role of this variant in disease. Therefore, it has been classified as a Variant of Uncertain Significance.